The following is an entry in ClinVar:

NM_001009944.3(PKD1):c.5979A>G (p.Thr1993=)

Gene: PKD1 (polycystin 1, transient receptor potential channel interacting; minus strand). Cytogenetic location: 16p13.3.
Variant type: single nucleotide variant.
Coding change: c.5979A>G on transcript NM_001009944.3 (MANE Select); coding-DNA position 5979, A replaced by G.
Protein change: p.Thr1993=; no amino-acid change (threonine 1993 retained).
Molecular consequence: synonymous variant.
Genome position (GRCh38, 1-based): chr16:2,109,188, T>C on the plus strand (A>G on the coding strand, the complement: PKD1 is on the minus strand). VCF-style: chr16-2109188-T-C. GRCh37 (hg19) VCF-style: chr16-2159189-T-C.
Other names: c.5979A>G (NM_001009944.2); c.5979A>G, p.Thr1993= (NM_000296.4).
Identifiers: ClinVar variation 997380 (VCV000997380.5), dbSNP rs756636397, ClinGen allele CA7831778.
Genomic context (GRCh38, chr16:2,109,188, plus strand): 5'-GACCTTCTGCAGCGAGAAGTACCAGGCGTAGGCGACCCGAGAGCCGCGCTGCACGCGGGC[T>C]GTGAAGTTCCTCTCAGTGCCCGTGGCGATGCCAGGCTCGCAGCAGTTGGGCACCTGCAGC-3'
Protein context (NP_001009944.3, residues 1983-2003): GIATGTERNF[Thr1993=]ARVQRGSRVA

ClinVar aggregate classification (germline): Likely benign. Review status: criteria provided, multiple submitters, no conflicts (2 of 4 stars). 4 submissions from 4 submitters: Likely benign (2). 2 of the submissions do not count toward it. Last evaluated 2024-11-25.

Conditions:
Polycystic kidney disease. Also called: Kidney, Polycystic; Polycystic kidney dysplasia. Identifiers: MedGen C0022680, MeSH D007690, MONDO:0020642, HP:0000113.
PKD1-related disorder. Also called: PKD1-related condition.

Allele frequency attached by ClinVar (database versions not stated): gnomAD 0.00001 and 0.00007; TOPMed 0.00003; 1000 Genomes Project 30x 0.00016; gnomAD exomes 0.00017; ExAC 0.00031.
gnomAD v4.1: 251 of 1,597,560 alleles (0.016%); highest among the groups gnomAD compares: South Asian, 0.2%; 1 homozygote.

Submissions (4):

Blueprint Genetics
Classification: Likely benign. Last evaluated: 2024-11-25. Review status: criteria provided, single submitter. Criteria: ACMG Guidelines, 2015. Collection method: clinical testing. Allele origin: germline.

Breakthrough Genomics
Classification: Likely benign. Review status: criteria provided, single submitter. Criteria: ACMG Guidelines, 2015. Collection method: not provided. Allele origin: germline. Inheritance: Autosomal dominant inheritance. Affected: yes.

PreventionGenetics, part of Exact Sciences
Classification: Likely benign for PKD1-related condition. Last evaluated: 2019-02-20. Review status: no assertion criteria provided. Collection method: clinical testing. Allele origin: germline. Not counted in ClinVar's aggregate classification.
Comment: This variant is classified as likely benign based on ACMG/AMP sequence variant interpretation guidelines (Richards et al. 2015 PMID: 25741868, with internal and published modifications).

Department of Pathology and Laboratory Medicine, Sinai Health System
Classification: Likely benign for Polycystic Kidney disease. Review status: no assertion criteria provided. Collection method: clinical testing. Allele origin: unknown. Affected: yes. Study: The Canadian Open Genetics Repository (COGR). Not counted in ClinVar's aggregate classification.
Comment: The PKD1 p.Thr1993= variant was identified in 1 of 704 proband chromosomes (frequency: 0.001) from individuals or families with ADPKD (Carrera 2016). The variant was also identified in dbSNP (ID: rs756636397), and in LOVD 3.0 (1x) databases. The variant was not identified in ClinVar, Clinvitae, COGR, ADPKD Mutation Database, or PKD1-LOVD. The variant was identified in control databases in 68 of 267328 chromosomes at a frequency of 0.00025 (Genome Aggregation Database Feb 27, 2017). The variant was observed in the following populations: Other in 2 of 6304 chromosomes (freq: 0.0003), European in 6 of 121624 chromosomes (freq: 0.000049), and South Asian in 60 of 30486 chromosomes (freq: 0.0019); it was not observed in the African, Latino, Ashkenazi Jewish, East Asian, and Finnish populations. The p.Thr1993= variant is not expected to have clinical significance because it does not result in a change of amino acid and is not located in a known consensus splice site. The variant occurs outside of the splicing consensus sequence and 1 of 5 in silico or computational prediction software programs (SpliceSiteFinder, MaxEntScan, NNSPLICE, GeneSplicer, HumanSpliceFinder) predict a greater than 10% difference in splicing; this is not very predictive of pathogenicity. In summary, based on the above information the clinical significance of this variant cannot be determined with certainty at this time although we would lean towards a more benign role for this variant. This variant is classified as likely benign.